The following is an entry in ClinVar:

NM_018191.4(RCBTB1):c.352C>T (p.Pro118Ser)

Gene: RCBTB1 (RCC1 and BTB domain containing protein 1; minus strand). Cytogenetic location: 13q14.2.
Variant type: single nucleotide variant.
Coding change: c.352C>T on transcript NM_018191.4 (MANE Select); coding-DNA position 352, C replaced by T.
Protein change: p.Pro118Ser; replaces proline 118 with serine.
Molecular consequence: missense variant. On other transcripts: 5 prime UTR variant (1), non-coding transcript variant (2).
Genome position (GRCh38, 1-based): chr13:49,560,010, G>A on the plus strand (C>T on the coding strand, the complement: RCBTB1 is on the minus strand). VCF-style: chr13-49560010-G-A. GRCh37 (hg19) VCF-style: chr13-50134146-G-A.
Other names: c.352C>T, p.Pro118Ser (NM_001352500.2, NM_001352501.2, NM_001352502.2 and 3 more transcripts); c.-258C>T (NM_001352506.2); short protein forms P118S.
Identifiers: ClinVar variation 853916 (VCV000853916.11), dbSNP rs17853794, ClinGen allele CA6982905.
Genomic context (GRCh38, chr13:49,560,010, plus strand): 5'-GTGAGCCACAAGCTACTTCCACCACTTGCTTGATCAAGAGATTGGTACAGACCTGGACGG[G>A]AGCAATGCCTTGGTTGGTCGTCCCATTCCCAAGCTGGCTATATCCATTGTGGCCCCAGGC-3'
Protein context (NP_060661.3, residues 108-128): GNGTTNQGIA[Pro118Ser]VQVCTNLLIK

ClinVar aggregate classification (germline): Uncertain significance. Review status: criteria provided, multiple submitters, no conflicts (2 of 4 stars). 2 submissions from 2 submitters: Uncertain significance (2). Last evaluated 2024-09-04.

Allele frequency attached by ClinVar (database versions not stated): gnomAD exomes below 0.00001; ExAC 0.00001.
gnomAD v4.1: 7 of 1,614,066 alleles (0.00043%); highest among the groups gnomAD compares: African/African-American, 0.0053%; no homozygotes.

Submissions (2):

Ambry Genetics
Classification: Uncertain significance. Last evaluated: 2024-09-04. Review status: criteria provided, single submitter. Criteria: Ambry Variant Classification Scheme 2023. Collection method: clinical testing. Allele origin: germline.

Labcorp Genetics (formerly Invitae), Labcorp
Classification: Uncertain significance. Last evaluated: 2019-12-31. Review status: criteria provided, single submitter. Criteria: Invitae Variant Classification Sherloc (09022015). Collection method: clinical testing. Allele origin: germline.
Comment: In summary, the available evidence is currently insufficient to determine the role of this variant in disease. Therefore, it has been classified as a Variant of Uncertain Significance. Algorithms developed to predict the effect of missense changes on protein structure and function are either unavailable or do not agree on the potential impact of this missense change (SIFT: "Deleterious"; PolyPhen-2: "Probably Damaging"; Align-GVGD: "Class C0"). This variant has not been reported in the literature in individuals with RCBTB1-related conditions. This variant is present in population databases (rs17853794, ExAC 0.01%). This sequence change replaces proline with serine at codon 118 of the RCBTB1 protein (p.Pro118Ser). The proline residue is highly conserved and there is a moderate physicochemical difference between proline and serine.